The following is an entry in ClinVar:

ClinVar aggregate classification (germline): Likely benign. Review status: criteria provided, multiple submitters, no conflicts (2 of 4 stars). 9 submissions from 9 submitters: Likely benign (9). Last evaluated 2026-01-28.

Conditions:
Charcot-Marie-Tooth disease. Also called: Charcot-Marie-Tooth Hereditary Neuropathy; Charcot-Marie-Tooth Neuropathy. Identifiers: Orphanet 166, MedGen C0007959, MONDO:0015626.
Severe early-onset pulmonary alveolar proteinosis due to MARS deficiency. Also called: PULMONARY ALVEOLAR PROTEINOSIS, REUNION ISLAND; Interstitial lung and liver disease. Identifiers: Orphanet 440427, MedGen C4225400, MONDO:0014206, OMIM 615486.
Charcot-Marie-Tooth disease axonal type 2U. Also called: CHARCOT-MARIE-TOOTH NEUROPATHY, TYPE 2U; CHARCOT-MARIE-TOOTH DISEASE, AXONAL, AUTOSOMAL DOMINANT, TYPE 2U. Identifiers: Orphanet 397735, MedGen C4084821, MONDO:0014566, OMIM 616280.
MARS1-related disorder. Also called: MARS1-related condition.

Allele frequency attached by ClinVar (database versions not stated): TOPMed 0.00024; ESP Exome Variant Server 0.00031; gnomAD 0.00040 and 0.00041; gnomAD exomes 0.00052 and 0.00058; ExAC 0.00065.
gnomAD v4.1: 831 of 1,613,936 alleles (0.051%); highest among the groups gnomAD compares: South Asian, 0.13%; 2 homozygotes.

Submissions (9):

Labcorp Genetics (formerly Invitae), Labcorp
Classification: Likely benign for Charcot-Marie-Tooth disease axonal type 2U; Severe early-onset pulmonary alveolar proteinosis due to MARS deficiency. Last evaluated: 2026-01-28. Review status: criteria provided, single submitter. Criteria: Invitae Variant Classification Sherloc (09022015). Collection method: clinical testing. Allele origin: germline.

PreventionGenetics, part of Exact Sciences
Classification: Likely benign for MARS1-related condition. Last evaluated: 2025-11-12. Review status: criteria provided, single submitter. Criteria: ACMG Guidelines, 2015. Collection method: clinical testing. Allele origin: germline.
Comment: This variant is classified as likely benign based on ACMG/AMP sequence variant interpretation guidelines (Richards et al. 2015 PMID: 25741868, with internal and published modifications).

Mayo Clinic Laboratories, Mayo Clinic
Classification: Likely benign. Last evaluated: 2025-07-16. Review status: criteria provided, single submitter. Criteria: ACMG Guidelines, 2015. Collection method: clinical testing. Allele origin: germline. Observed: 1 variant allele.
Comment: BP4, BP7

Blueprint Genetics
Classification: Likely benign. Last evaluated: 2024-11-21. Review status: criteria provided, single submitter. Criteria: ACMG Guidelines, 2015. Collection method: clinical testing. Allele origin: germline.

CeGaT Center for Human Genetics Tuebingen
Classification: Likely benign. Last evaluated: 2023-03-01. Review status: criteria provided, single submitter. Criteria: CeGaT Center For Human Genetics Tuebingen Variant Classification Criteria Version 2. Collection method: clinical testing. Allele origin: germline. Affected: yes. Observed: 1 variant allele.
Comment: MARS1: BP4, BP7

ARUP Laboratories, Molecular Genetics and Genomics, ARUP Laboratories
Classification: Likely benign. Last evaluated: 2020-04-17. Review status: criteria provided, single submitter. Criteria: ARUP Molecular Germline Variant Investigation Process. Collection method: clinical testing. Allele origin: germline.

Ambry Genetics
Classification: Likely benign. Last evaluated: 2019-07-11. Review status: criteria provided, single submitter. Criteria: Ambry Variant Classification Scheme 2023. Collection method: clinical testing. Allele origin: germline.

GeneDx
Classification: Likely benign. Last evaluated: 2018-02-12. Review status: criteria provided, single submitter. Criteria: GeneDx Variant Classification (06012015). Collection method: clinical testing. Allele origin: germline. Affected: yes.
Comment: This variant is considered likely benign or benign based on one or more of the following criteria: it is a conservative change, it occurs at a poorly conserved position in the protein, it is predicted to be benign by multiple in silico algorithms, and/or has population frequency not consistent with disease.

Molecular Genetics Laboratory, London Health Sciences Centre
Classification: Likely benign for Charcot-Marie-Tooth disease. Review status: criteria provided, single submitter. Criteria: ACMG Guidelines, 2015. Collection method: clinical testing. Allele origin: germline. Affected: yes.

NM_004990.4(MARS1):c.792G>A (p.Arg264=)

Gene: MARS1 (methionyl-tRNA synthetase 1; plus strand). Cytogenetic location: 12q13.3.
Variant type: single nucleotide variant.
Coding change: c.792G>A on transcript NM_004990.4 (MANE Select); coding-DNA position 792, G replaced by A.
Protein change: p.Arg264=; no amino-acid change (arginine 264 retained).
Molecular consequence: synonymous variant.
Genome position (GRCh38, 1-based): chr12:57,498,178, G>A. VCF-style: chr12-57498178-G-A. GRCh37 (hg19) VCF-style: chr12-57891961-G-A.
Other names: p.Arg264=.
Identifiers: ClinVar variation 475430 (VCV000475430.46), dbSNP rs141609469, ClinGen allele CA6650307.